The following is an entry in ClinVar:

ClinVar aggregate classification (germline): Uncertain significance (1 of 4 stars; one submission).

Allele frequency attached by ClinVar (database versions not stated): TOPMed below 0.00001.

Submission:

Ambry Genetics
Classification: Uncertain significance. Last evaluated: 2021-12-29. Review status: criteria provided, single submitter. Criteria: Ambry Variant Classification Scheme 2023. Collection method: clinical testing. Allele origin: germline.
Comment: The p.V179L variant (also known as c.535G>T), located in coding exon 3 of the MYLK2 gene, results from a G to T substitution at nucleotide position 535. The valine at codon 179 is replaced by leucine, an amino acid with highly similar properties. This amino acid position is conserved. In addition, this alteration is predicted to be tolerated by in silico analysis. Since supporting evidence is limited at this time, the clinical significance of this alteration remains unclear.

NM_033118.4(MYLK2):c.535G>T (p.Val179Leu)

Gene: MYLK2 (myosin light chain kinase 2; plus strand). Cytogenetic location: 20q11.21.
Variant type: single nucleotide variant.
Coding change: c.535G>T on transcript NM_033118.4 (MANE Select); coding-DNA position 535, G replaced by T.
Protein change: p.Val179Leu; replaces valine 179 with leucine.
Molecular consequence: missense variant.
Genome position (GRCh38, 1-based): chr20:31,821,500, G>T. VCF-style: chr20-31821500-G-T. GRCh37 (hg19) VCF-style: chr20-30409303-G-T.
Other names: short protein forms V179L.
Identifiers: ClinVar variation 1747067 (VCV001747067.2), dbSNP rs2062251752, ClinGen allele CA408525817.